The following is an entry in ClinVar:

ClinVar aggregate classification (germline): Uncertain significance (1 of 4 stars; one submission).

gnomAD v4.1: 4 of 1,611,972 alleles (0.00025%); highest among the groups gnomAD compares: Non-Finnish European, 0.00034%; no homozygotes.

Submission:

Labcorp Genetics (formerly Invitae), Labcorp
Classification: Uncertain significance. Last evaluated: 2022-12-31. Review status: criteria provided, single submitter. Criteria: Invitae Variant Classification Sherloc (09022015). Collection method: clinical testing. Allele origin: germline.
Comment: In summary, the available evidence is currently insufficient to determine the role of this variant in disease. Therefore, it has been classified as a Variant of Uncertain Significance. Algorithms developed to predict the effect of missense changes on protein structure and function (SIFT, PolyPhen-2, Align-GVGD) all suggest that this variant is likely to be tolerated. This variant has not been reported in the literature in individuals affected with PRDM13-related conditions. This variant is present in population databases (rs747397866, gnomAD 0.002%). This sequence change replaces proline, which is neutral and non-polar, with arginine, which is basic and polar, at codon 194 of the PRDM13 protein (p.Pro194Arg).

NM_021620.4(PRDM13):c.581C>G (p.Pro194Arg)

Gene: PRDM13 (PR/SET domain 13; plus strand). Cytogenetic location: 6q16.2.
Variant type: single nucleotide variant.
Coding change: c.581C>G on transcript NM_021620.4 (MANE Select); coding-DNA position 581, C replaced by G.
Protein change: p.Pro194Arg; replaces proline 194 with arginine.
Molecular consequence: missense variant.
Genome position (GRCh38, 1-based): chr6:99,613,216, C>G. VCF-style: chr6-99613216-C-G. GRCh37 (hg19) VCF-style: chr6-100061092-C-G.
Other names: short protein forms P194R.
Identifiers: ClinVar variation 2825229 (VCV002825229.3), dbSNP rs747397866, ClinGen allele CA3936238.